The following is an entry in ClinVar:

NM_000093.5(COL5A1):c.3317_3333del (p.Arg1106fs)

Gene: COL5A1 (collagen type V alpha 1 chain; plus strand). Cytogenetic location: 9q34.3.
Variant type: Deletion.
Coding change: c.3317_3333del on transcript NM_000093.5 (MANE Select); coding-DNA positions 3317 to 3333, 17 bases deleted (GACCTGGGCCCCAGGGA).
Protein change: p.Arg1106fs; shifts the reading frame from arginine 1106.
Molecular consequence: frameshift variant.
Genome position (GRCh38, 1-based): chr9:134,806,247-134,806,263, GACCTGGGCCCCAGGGA deleted; deleting any 17 consecutive bases within chr9:134,806,240-134,806,263 gives the same sequence; the c. name uses the placement nearest the transcript's 3' end. VCF-style (leftmost placement, unchanged base first): chr9-134806239-TCCAGGGAGACCTGGGCC-T. GRCh37 (hg19) VCF-style: chr9-137698085-TCCAGGGAGACCTGGGCC-T.
Other names: c.3317_3333del, p.Arg1106fs (NM_001278074.1); short protein forms R1106fs.
Identifiers: ClinVar variation 2019255 (VCV002019255.4), dbSNP rs2490801072, ClinGen allele CA2580080051.

ClinVar aggregate classification (germline): Pathogenic (1 of 4 stars; one submission).

Conditions:
Ehlers-Danlos syndrome, classic type, 1 (EDSCL1). Also called: EHLERS-DANLOS SYNDROME, GRAVIS TYPE; EHLERS-DANLOS SYNDROME, SEVERE CLASSIC TYPE; Ehlers-Danlos syndrome, type 1; EDS I; Ehlers-Danlos Syndrome, Classic Type, COL5A1-Related. Identifiers: MedGen C0268335, MONDO:0019567, OMIM 130000.

Submission:

Labcorp Genetics (formerly Invitae), Labcorp
Classification: Pathogenic for Ehlers-Danlos syndrome, classic type, 1. Last evaluated: 2022-07-23. Review status: criteria provided, single submitter. Criteria: Invitae Variant Classification Sherloc (09022015). Collection method: clinical testing. Allele origin: germline.
Comment: For these reasons, this variant has been classified as Pathogenic. This variant has not been reported in the literature in individuals affected with COL5A1-related conditions. This variant is not present in population databases (gnomAD no frequency). This sequence change creates a premature translational stop signal (p.Arg1106Thrfs*47) in the COL5A1 gene. It is expected to result in an absent or disrupted protein product. Loss-of-function variants in COL5A1 are known to be pathogenic (PMID: 23587214).

Literature cited by the submitters: PubMed 23587214.